The following is an entry in ClinVar:

ClinVar aggregate classification (germline): Uncertain significance (1 of 4 stars; one submission).

Conditions:
Perlman syndrome (PRLMNS). Identifiers: Orphanet 2849, MedGen C0796113, MONDO:0009965, OMIM 267000.

Submission:

Labcorp Genetics (formerly Invitae), Labcorp
Classification: Uncertain significance for Perlman syndrome. Last evaluated: 2022-05-24. Review status: criteria provided, single submitter. Criteria: Invitae Variant Classification Sherloc (09022015). Collection method: clinical testing. Allele origin: germline.
Comment: In summary, the available evidence is currently insufficient to determine the role of this variant in disease. Therefore, it has been classified as a Variant of Uncertain Significance. Algorithms developed to predict the effect of missense changes on protein structure and function (SIFT, PolyPhen-2, Align-GVGD) all suggest that this variant is likely to be disruptive. ClinVar contains an entry for this variant (Variation ID: 1007187). This variant has not been reported in the literature in individuals affected with DIS3L2-related conditions. This variant is not present in population databases (gnomAD no frequency). This sequence change replaces leucine, which is neutral and non-polar, with arginine, which is basic and polar, at codon 732 of the DIS3L2 protein (p.Leu732Arg).

NM_152383.5(DIS3L2):c.2195T>G (p.Leu732Arg)

Gene: DIS3L2 (DIS3 like 3'-5' exoribonuclease 2; plus strand). Cytogenetic location: 2q37.1.
Variant type: single nucleotide variant.
Coding change: c.2195T>G on transcript NM_152383.5 (MANE Select); coding-DNA position 2195, T replaced by G.
Protein change: p.Leu732Arg; replaces leucine 732 with arginine.
Molecular consequence: missense variant. On other transcripts: non-coding transcript variant (2), intron variant (1).
Genome position (GRCh38, 1-based): chr2:232,334,405, T>G. VCF-style: chr2-232334405-T-G. GRCh37 (hg19) VCF-style: chr2-233199115-T-G.
Other names: c.1582-8940T>G (NM_001257281.2); short protein forms L732R.
Identifiers: ClinVar variation 1007187 (VCV001007187.10), dbSNP rs1695872678, ClinGen allele CA350977683.